The following is an entry in ClinVar:

ClinVar aggregate classification (germline): Likely benign. Review status: criteria provided, single submitter (1 of 4 stars). 2 submissions from 2 submitters: Likely benign (1). 1 of the submissions does not count toward it. Last evaluated 2024-10-15.

Conditions:
BLTP1-related disorder. Also called: BLTP1-related condition.

Allele frequency attached by ClinVar (database versions not stated): gnomAD exomes 0.00017; ExAC 0.00068; 1000 Genomes Project 30x 0.00125; 1000 Genomes Project 0.00140; ESP Exome Variant Server 0.00185; gnomAD 0.00209; TOPMed 0.00248.
gnomAD v4.1: 574 of 1,590,312 alleles (0.036%); highest among the groups gnomAD compares: African/African-American, 0.71%; 2 homozygotes.

Submissions (2):

Blueprint Genetics
Classification: Likely benign. Last evaluated: 2024-10-15. Review status: criteria provided, single submitter. Criteria: ACMG Guidelines, 2015. Collection method: clinical testing. Allele origin: germline.

PreventionGenetics, part of Exact Sciences
Classification: Likely benign for BLTP1-related condition. Last evaluated: 2019-04-16. Review status: no assertion criteria provided. Collection method: clinical testing. Allele origin: germline. Not counted in ClinVar's aggregate classification.
Comment: This variant is classified as likely benign based on ACMG/AMP sequence variant interpretation guidelines (Richards et al. 2015 PMID: 25741868, with internal and published modifications).

NM_001384125.1(BLTP1):c.747T>C (p.Ile249=)

Gene: BLTP1 (bridge-like lipid transfer protein family member 1; plus strand). Cytogenetic location: 4q27.
Variant type: single nucleotide variant.
Coding change: c.747T>C on transcript NM_001384125.1 (MANE Select); coding-DNA position 747, T replaced by C.
Protein change: p.Ile249=; no amino-acid change (isoleucine 249 retained).
Molecular consequence: synonymous variant.
Genome position (GRCh38, 1-based): chr4:122,188,014, T>C. VCF-style: chr4-122188014-T-C. GRCh37 (hg19) VCF-style: chr4-123109169-T-C.
Other names: c.747T>C, p.Ile249= (NM_015312.4).
Identifiers: ClinVar variation 3035676 (VCV003035676.3), dbSNP rs149259417, ClinGen allele CA3065439.